The following is an entry in ClinVar:

ClinVar aggregate classification (germline): Conflicting classifications of pathogenicity. Review status: criteria provided, conflicting classifications (1 of 4 stars). 2 submissions from 2 submitters: Uncertain significance (1); Likely benign (1). Last evaluated 2025-12-13.

Conditions:
POLD1-related polyposis and colorectal cancer syndrome (CRCS10). Also called: Colorectal cancer 10; COLORECTAL CANCER, SUSCEPTIBILITY TO, ON CHROMOSOME 19q; Colorectal cancer, susceptibility to, 10. Identifiers: Orphanet 220460, MedGen C2675481, MONDO:0012953, OMIM 612591.
Hereditary cancer-predisposing syndrome. Also called: Tumor predisposition; Neoplastic Syndromes, Hereditary; Hereditary Cancer Syndrome; Hereditary neoplastic syndrome. Identifiers: Orphanet 140162, MedGen C0027672, MeSH D009386, MONDO:0015356.

Submissions (2):

Labcorp Genetics (formerly Invitae), Labcorp
Classification: Uncertain significance for POLD1-related polyposis and colorectal cancer syndrome. Last evaluated: 2025-12-13. Review status: criteria provided, single submitter. Criteria: Invitae Variant Classification Sherloc (09022015). Collection method: clinical testing. Allele origin: germline.
Comment: This sequence change replaces histidine, which is basic and polar, with glutamine, which is neutral and polar, at codon 821 of the POLD1 protein (p.His821Gln). This variant is not present in population databases (gnomAD no frequency). This variant has not been reported in the literature in individuals affected with POLD1-related conditions. ClinVar contains an entry for this variant (Variation ID: 575719). Invitae Evidence Modeling of protein sequence and biophysical properties (such as structural, functional, and spatial information, amino acid conservation, physicochemical variation, residue mobility, and thermodynamic stability) has been performed for this missense variant. However, the output from this modeling did not meet the statistical confidence thresholds required to predict the impact of this variant on POLD1 protein function. In summary, the available evidence is currently insufficient to determine the role of this variant in disease. Therefore, it has been classified as a Variant of Uncertain Significance.

Ambry Genetics
Classification: Likely benign for Hereditary cancer-predisposing syndrome. Last evaluated: 2025-01-17. Review status: criteria provided, single submitter. Criteria: Ambry Variant Classification Scheme 2023. Collection method: clinical testing. Allele origin: germline.

NM_002691.4(POLD1):c.2463C>A (p.His821Gln)

Gene: POLD1 (DNA polymerase delta 1, catalytic subunit; plus strand). Cytogenetic location: 19q13.33.
Variant type: single nucleotide variant.
Coding change: c.2463C>A on transcript NM_002691.4 (MANE Select); coding-DNA position 2463, C replaced by A.
Protein change: p.His821Gln; replaces histidine 821 with glutamine.
Molecular consequence: missense variant. On other transcripts: non-coding transcript variant (1).
Genome position (GRCh38, 1-based): chr19:50,414,889, C>A. VCF-style: chr19-50414889-C-A. GRCh37 (hg19) VCF-style: chr19-50918146-C-A.
Other names: c.2463C>A, p.His821Gln (NM_001256849.1); c.2541C>A, p.His847Gln (NM_001308632.1); short protein forms H821Q, H847Q.
Identifiers: ClinVar variation 575719 (VCV000575719.12), dbSNP rs150607556, ClinGen allele CA406984817.